The following is an entry in ClinVar:

NM_004928.3(CFAP410):c.436G>C (p.Glu146Gln)

Gene: CFAP410 (cilia and flagella associated protein 410; minus strand). Cytogenetic location: 21q22.3.
Variant type: single nucleotide variant.
Coding change: c.436G>C on transcript NM_004928.3 (MANE Select); coding-DNA position 436, G replaced by C.
Protein change: p.Glu146Gln; replaces glutamic acid 146 with glutamine.
Molecular consequence: missense variant.
Genome position (GRCh38, 1-based): chr21:44,331,952, C>G on the plus strand (G>C on the coding strand, the complement: CFAP410 is on the minus strand). VCF-style: chr21-44331952-C-G. GRCh37 (hg19) VCF-style: chr21-45751835-C-G.
Other names: c.436G>C, p.Glu146Gln (NM_001271440.2, NM_001271441.2); c.313G>C, p.Glu105Gln (NM_001271442.1); short protein forms E146Q, E105Q.
Identifiers: ClinVar variation 1936775 (VCV001936775.5), dbSNP rs1017595293, ClinGen allele CA321784259.

ClinVar aggregate classification (germline): Uncertain significance (1 of 4 stars; one submission).

Allele frequency attached by ClinVar (database versions not stated): TOPMed 0.00001; gnomAD 0.00003.
gnomAD v4.1: 9 of 1,613,504 alleles (0.00056%); highest among the groups gnomAD compares: African/African-American, 0.0067%; no homozygotes.

Submission:

Labcorp Genetics (formerly Invitae), Labcorp
Classification: Uncertain significance. Last evaluated: 2022-04-17. Review status: criteria provided, single submitter. Criteria: Invitae Variant Classification Sherloc (09022015). Collection method: clinical testing. Allele origin: germline.
Comment: In summary, the available evidence is currently insufficient to determine the role of this variant in disease. Therefore, it has been classified as a Variant of Uncertain Significance. Algorithms developed to predict the effect of missense changes on protein structure and function (SIFT, PolyPhen-2, Align-GVGD) all suggest that this variant is likely to be tolerated. This variant has not been reported in the literature in individuals affected with CFAP410-related conditions. This variant is present in population databases (no rsID available, gnomAD 0.01%). This sequence change replaces glutamic acid, which is acidic and polar, with glutamine, which is neutral and polar, at codon 146 of the CFAP410 protein (p.Glu146Gln).